The following is an entry in ClinVar:

NM_001127208.3(TET2):c.5272T>C (p.Ser1758Pro)

Genes: TET2 (tet methylcytosine dioxygenase 2; plus strand), TET2-AS1 (TET2 antisense RNA 1; minus strand). Cytogenetic location: 4q24.
Variant type: single nucleotide variant.
Coding change: c.5272T>C on transcript NM_001127208.3 (MANE Select); coding-DNA position 5272, T replaced by C.
Protein change: p.Ser1758Pro; replaces serine 1758 with proline.
Molecular consequence: missense variant.
Genome position (GRCh38, 1-based): chr4:105,275,782, T>C. VCF-style: chr4-105275782-T-C. GRCh37 (hg19) VCF-style: chr4-106196939-T-C.
Other names: short protein forms S1758P.
Identifiers: ClinVar variation 2868364 (VCV002868364.3), dbSNP rs1267526114, ClinGen allele CA357815108.

ClinVar aggregate classification (germline): Uncertain significance (1 of 4 stars; one submission).

Submission:

Labcorp Genetics (formerly Invitae), Labcorp
Classification: Uncertain significance. Last evaluated: 2024-01-26. Review status: criteria provided, single submitter. Criteria: Invitae Variant Classification Sherloc (09022015). Collection method: clinical testing. Allele origin: germline.
Comment: This sequence change replaces serine, which is neutral and polar, with proline, which is neutral and non-polar, at codon 1758 of the TET2 protein (p.Ser1758Pro). This variant is not present in population databases (gnomAD no frequency). This variant has not been reported in the literature in individuals affected with TET2-related conditions. Algorithms developed to predict the effect of missense changes on protein structure and function output the following: SIFT: "Not Available"; PolyPhen-2: "Benign"; Align-GVGD: "Not Available". The proline amino acid residue is found in multiple mammalian species, which suggests that this missense change does not adversely affect protein function. In summary, the available evidence is currently insufficient to determine the role of this variant in disease. Therefore, it has been classified as a Variant of Uncertain Significance.